The following is an entry in ClinVar:

ClinVar aggregate classification (germline): Pathogenic (1 of 4 stars; one submission).

Conditions:
NPHS1-related disorder. Also called: NPHS1-related condition.

Submission:

PreventionGenetics, part of Exact Sciences
Classification: Pathogenic for NPHS1-related condition. Last evaluated: 2023-07-11. Review status: criteria provided, single submitter. Criteria: ACMG Guidelines, 2015. Collection method: clinical testing. Allele origin: germline.
Comment: The NPHS1 c.904delC variant is predicted to result in a frameshift and premature protein termination (p.Leu302Trpfs*2). To our knowledge, this variant has not been reported in the literature or in a large population database, indicating this variant is rare. Frameshift variants in NPHS1 are expected to be pathogenic. This variant is interpreted as pathogenic.

NM_004646.4(NPHS1):c.904del (p.Leu302fs)

Gene: NPHS1 (NPHS1 adhesion molecule, nephrin; minus strand). Cytogenetic location: 19q13.12.
Variant type: Deletion.
Coding change: c.904del on transcript NM_004646.4 (MANE Select); coding-DNA position 904, one base deleted (C; older notation c.904delC).
Protein change: p.Leu302fs; shifts the reading frame from leucine 302.
Molecular consequence: frameshift variant.
Genome position (GRCh38, 1-based): chr19:35,849,084, G deleted on the plus strand (C on the coding strand, the reverse complement: NPHS1 is on the minus strand). VCF-style (leftmost placement, unchanged base first): chr19-35849083-AG-A. GRCh37 (hg19) VCF-style: chr19-36339985-AG-A.
Other names: short protein forms L302fs.
Identifiers: ClinVar variation 2631762 (VCV002631762.1), dbSNP rs2513778741, ClinGen allele CA2695198194.
Genomic context (GRCh38, chr19:35,849,083, plus strand): 5'-CTGTTGTGGGCCTCGCAGCTGAGCTGCGCTCCATGGTCTTCTGGCCTCACGGTCATCACC[AG>A]CACACTGCGGGCCACCGCCTGGGTGTGCTCTGTGCCCCACGCTGTGGACACCGGCTGGCC-3'